The following is an entry in ClinVar:

NM_017791.3(FLVCR2):c.1101G>A (p.Trp367Ter)

Gene: FLVCR2 (FLVCR choline and putative heme transporter 2; plus strand). Cytogenetic location: 14q24.3.
Variant type: single nucleotide variant.
Coding change: c.1101G>A on transcript NM_017791.3 (MANE Select); coding-DNA position 1101, G replaced by A.
Protein change: p.Trp367Ter; replaces tryptophan 367 with a stop codon.
Molecular consequence: nonsense.
Genome position (GRCh38, 1-based): chr14:75,634,990, G>A. VCF-style: chr14-75634990-G-A. GRCh37 (hg19) VCF-style: chr14-76101333-G-A.
Other names: c.486G>A, p.Trp162Ter (NM_001195283.2); short protein forms W162*, W367*.
Identifiers: ClinVar variation 3363141 (VCV003363141.1).

ClinVar aggregate classification (germline): Pathogenic (1 of 4 stars; one submission).

Conditions:
Proliferative vasculopathy and hydranencephaly-hydrocephaly syndrome. Also called: ENCEPHALOCLASTIC PROLIFERATIVE VASCULOPATHY; HYDRANENCEPHALY, FOWLER TYPE; HYDROCEPHALY/HYDRANENCEPHALY DUE TO CEREBRAL VASCULOPATHY; Fowler syndrome. Identifiers: Orphanet 221126, MedGen C1856972, MONDO:0009168, OMIM 225790.

Submission:

Genomic Medicine Center of Excellence, King Faisal Specialist Hospital and Research Centre
Classification: Pathogenic for Proliferative vasculopathy and hydranencephaly-hydrocephaly syndrome. Last evaluated: 2024-10-13. Review status: criteria provided, single submitter. Criteria: ACMG Guidelines, 2015. Collection method: clinical testing. Allele origin: germline.
Comment: This sequence change creates a premature translational stop signal (GRCh38; NM_017791.3:c.1101G>A:p.Trp367Ter) in the FLVCR2 protein. This alteration is expected to result in loss of function by premature termination codon resulting in protein truncation, or nonsense-mediated mRNA decay. This alteration is interpreted as disease-causing mutation, a commonly known mechanism for disease. Not observed at significant frequency in large population cohorts (gnomAD). This variant has a strong Conservation score. Multiple lines of computational evidence of this variant support a deleterious effect on the gene or gene product for this variant. In summary, this variant meets our criteria for classification as pathogenic based on the evidence outlined.